The following is an entry in ClinVar:

ClinVar aggregate classification (germline): Uncertain significance (1 of 4 stars; one submission).

Conditions:
Familial adenomatous polyposis 1 (FAP1). Also called: FAMILIAL ADENOMATOUS POLYPOSIS 1, ATTENUATED; POLYPOSIS, ADENOMATOUS INTESTINAL. Identifiers: MedGen C2713442, MONDO:0021056, OMIM 175100. Disease mechanism: loss of function.

Submission:

Labcorp Genetics (formerly Invitae), Labcorp
Classification: Uncertain significance for Familial adenomatous polyposis 1. Last evaluated: 2023-04-03. Review status: criteria provided, single submitter. Criteria: Invitae Variant Classification Sherloc (09022015). Collection method: clinical testing. Allele origin: germline.
Comment: This variant has not been reported in the literature in individuals affected with APC-related conditions. This variant is not present in population databases (gnomAD no frequency). This sequence change replaces alanine, which is neutral and non-polar, with valine, which is neutral and non-polar, at codon 2650 of the APC protein (p.Ala2650Val). In summary, the available evidence is currently insufficient to determine the role of this variant in disease. Therefore, it has been classified as a Variant of Uncertain Significance. Advanced modeling of protein sequence and biophysical properties (such as structural, functional, and spatial information, amino acid conservation, physicochemical variation, residue mobility, and thermodynamic stability) performed at Invitae indicates that this missense variant is not expected to disrupt APC protein function.

NM_000038.6(APC):c.7949C>T (p.Ala2650Val)

Gene: APC (APC regulator of Wnt signaling pathway; plus strand). Cytogenetic location: 5q22.2.
Variant type: single nucleotide variant.
Coding change: c.7949C>T on transcript NM_000038.6 (MANE Select); coding-DNA position 7949, C replaced by T.
Protein change: p.Ala2650Val; replaces alanine 2650 with valine.
Molecular consequence: missense variant. On other transcripts: non-coding transcript variant (2).
Genome position (GRCh38, 1-based): chr5:112,843,543, C>T. VCF-style: chr5-112843543-C-T. GRCh37 (hg19) VCF-style: chr5-112179240-C-T.
Other names: c.7949C>T, p.Ala2650Val (NM_001127510.3, NM_001354895.2, NM_001407450.1); c.7895C>T, p.Ala2632Val (NM_001127511.3); c.8003C>T, p.Ala2668Val (NM_001354896.2, NM_001407447.1, NM_001407448.1 and 1 more transcripts); c.7979C>T, p.Ala2660Val (NM_001354897.2); c.7874C>T, p.Ala2625Val (NM_001354898.2); c.7865C>T, p.Ala2622Val (NM_001354899.2); c.7826C>T, p.Ala2609Val (NM_001354900.2); c.7772C>T, p.Ala2591Val (NM_001354901.2, NM_001407453.1); and 11 more; short protein forms A2524V, A2632V, A2650V, A2660V, A2549V, A2559V, A2625V, A2643V.
Identifiers: ClinVar variation 2851894 (VCV002851894.3), dbSNP rs2149996817, ClinGen allele CA16038595.
Genomic context (GRCh38, chr5:112,843,543, plus strand): 5'-TTTCCTCAGGTGCTACAAATGGTGCTGAATCAAAGACTCTAATTTATCAAATGGCACCTG[C>T]TGTTTCTAAAACAGAGGATGTTTGGGTGAGAATTGAGGACTGTCCCATTAACAATCCTAG-3'
Protein context (NP_000029.2, residues 2640-2660): SKTLIYQMAP[Ala2650Val]VSKTEDVWVR